The following is an entry in ClinVar:

NM_001195.5(BFSP1):c.227A>C (p.Gln76Pro)

Gene: BFSP1 (beaded filament structural protein 1; minus strand). Cytogenetic location: 20p12.1.
Variant type: single nucleotide variant.
Coding change: c.227A>C on transcript NM_001195.5 (MANE Select); coding-DNA position 227, A replaced by C.
Protein change: p.Gln76Pro; replaces glutamine 76 with proline.
Molecular consequence: missense variant. On other transcripts: intron variant (4).
Genome position (GRCh38, 1-based): chr20:17,531,103, T>G on the plus strand (A>C on the coding strand, the complement: BFSP1 is on the minus strand). VCF-style: chr20-17531103-T-G. GRCh37 (hg19) VCF-style: chr20-17511748-T-G.
Other names: c.45-6195A>C (NM_001278607.2); c.3-6195A>C (NM_001161705.2); c.-40-6195A>C (NM_001278606.2, NM_001278608.2); c.227A>C, p.Gln76Pro (NM_001424338.1); short protein forms Q76P.
Identifiers: ClinVar variation 3716700 (VCV003716700.2).
Genomic context (GRCh38, chr20:17,531,103, plus strand): 5'-CGGTTGCTCTCGACTTGGCGGGCGAGGGCGTCCTCGGGCCCGGCCAGCTCGCCCAGGCGC[T>G]GGAAGGCATCCAGCTGCCTCCGGAGCCCGGCATGGCGCTGCTCGAGGGCGCGGGCCCGCT-3'
Protein context (NP_001186.1, residues 66-86): AGLRRQLDAF[Gln76Pro]RLGELAGPED

ClinVar aggregate classification (germline): Uncertain significance (1 of 4 stars; one submission).

Conditions:
Cataract 33. Also called: CATARACT 33, CORTICAL. Identifiers: Orphanet 91492, MedGen C3808107, MONDO:0012665, OMIM 611391.

Submission:

Labcorp Genetics (formerly Invitae), Labcorp
Classification: Uncertain significance for Cataract 33. Last evaluated: 2024-06-08. Review status: criteria provided, single submitter. Criteria: Invitae Variant Classification Sherloc (09022015). Collection method: clinical testing. Allele origin: germline.
Comment: This sequence change replaces glutamine, which is neutral and polar, with proline, which is neutral and non-polar, at codon 76 of the BFSP1 protein (p.Gln76Pro). This variant is not present in population databases (gnomAD no frequency). This variant has not been reported in the literature in individuals affected with BFSP1-related conditions. Advanced modeling of protein sequence and biophysical properties (such as structural, functional, and spatial information, amino acid conservation, physicochemical variation, residue mobility, and thermodynamic stability) performed at Invitae indicates that this missense variant is not expected to disrupt BFSP1 protein function with a negative predictive value of 80%. In summary, the available evidence is currently insufficient to determine the role of this variant in disease. Therefore, it has been classified as a Variant of Uncertain Significance.